The following is an entry in ClinVar:

ClinVar aggregate classification (germline): Uncertain significance. Review status: criteria provided, multiple submitters, no conflicts (2 of 4 stars). 2 submissions from 2 submitters: Uncertain significance (2). Last evaluated 2024-08-29.

Conditions:
Hereditary cancer-predisposing syndrome. Also called: Neoplastic Syndromes, Hereditary; Hereditary neoplastic syndrome; Tumor predisposition; Hereditary Cancer Syndrome. Identifiers: Orphanet 140162, MedGen C0027672, MeSH D009386, MONDO:0015356.
Parathyroid carcinoma (PRTC). Also called: Parathyroid gland carcinoma; CDC73-Related Parathyroid Carcinoma. Identifiers: Orphanet 143, MedGen C0687150, MONDO:0012004, OMIM 608266, HP:0006780.

Allele frequency attached by ClinVar (database versions not stated): TOPMed below 0.00001.

Submissions (2):

Labcorp Genetics (formerly Invitae), Labcorp
Classification: Uncertain significance for Parathyroid carcinoma. Last evaluated: 2024-08-29. Review status: criteria provided, single submitter. Criteria: Invitae Variant Classification Sherloc (09022015). Collection method: clinical testing. Allele origin: germline.
Comment: This sequence change replaces valine, which is neutral and non-polar, with methionine, which is neutral and non-polar, at codon 20 of the CDC73 protein (p.Val20Met). This variant is not present in population databases (gnomAD no frequency). This variant has not been reported in the literature in individuals affected with CDC73-related conditions. ClinVar contains an entry for this variant (Variation ID: 2459485). Invitae Evidence Modeling of protein sequence and biophysical properties (such as structural, functional, and spatial information, amino acid conservation, physicochemical variation, residue mobility, and thermodynamic stability) indicates that this missense variant is not expected to disrupt CDC73 protein function with a negative predictive value of 80%. In summary, the available evidence is currently insufficient to determine the role of this variant in disease. Therefore, it has been classified as a Variant of Uncertain Significance.

Ambry Genetics
Classification: Uncertain significance for Hereditary cancer-predisposing syndrome. Last evaluated: 2022-11-16. Review status: criteria provided, single submitter. Criteria: Ambry Variant Classification Scheme 2023. Collection method: clinical testing. Allele origin: germline.
Comment: The p.V20M variant (also known as c.58G>A), located in coding exon 1 of the CDC73 gene, results from a G to A substitution at nucleotide position 58. The valine at codon 20 is replaced by methionine, an amino acid with highly similar properties. This amino acid position is well conserved in available vertebrate species. In addition, the in silico prediction for this alteration is inconclusive. Since supporting evidence is limited at this time, the clinical significance of this alteration remains unclear.

NM_024529.5(CDC73):c.58G>A (p.Val20Met)

Gene: CDC73 (cell division cycle 73; plus strand). Cytogenetic location: 1q31.2.
Variant type: single nucleotide variant.
Coding change: c.58G>A on transcript NM_024529.5 (MANE Select); coding-DNA position 58, G replaced by A.
Protein change: p.Val20Met; replaces valine 20 with methionine.
Molecular consequence: missense variant.
Genome position (GRCh38, 1-based): chr1:193,122,258, G>A. VCF-style: chr1-193122258-G-A. GRCh37 (hg19) VCF-style: chr1-193091388-G-A.
Other names: short protein forms V20M.
Identifiers: ClinVar variation 2459485 (VCV002459485.4), dbSNP rs1197900406, ClinGen allele CA343972847.